The following is an entry in ClinVar:

NM_000064.4(C3):c.75-1G>A

Gene: C3 (complement C3; minus strand). Cytogenetic location: 19p13.3.
Variant type: single nucleotide variant.
Coding change: c.75-1G>A on transcript NM_000064.4 (MANE Select); the canonical splice acceptor site of the intron before coding-DNA position 75, G replaced by A.
Molecular consequence: splice acceptor variant.
Genome position (GRCh38, 1-based): chr19:6,719,404, C>T on the plus strand (G>A on the coding strand, the complement: C3 is on the minus strand). VCF-style: chr19-6719404-C-T. GRCh37 (hg19) VCF-style: chr19-6719415-C-T.
Identifiers: ClinVar variation 2575231 (VCV002575231.2), dbSNP rs112780195, ClinGen allele CA403646345.

ClinVar aggregate classification (germline): Likely pathogenic (1 of 4 stars; one submission).

Conditions:
Atypical hemolytic-uremic syndrome with C3 anomaly. Also called: AHUS, SUSCEPTIBILITY TO, 5. Identifiers: Orphanet 2134, MedGen C2752037, MONDO:0013043, OMIM 612925.

Allele frequency attached by ClinVar (database versions not stated): gnomAD exomes below 0.00001.

Submission:

Johns Hopkins Genomics, Johns Hopkins University
Classification: Likely pathogenic for Atypical hemolytic-uremic syndrome with C3 anomaly. Last evaluated: 2023-05-25. Review status: criteria provided, single submitter. Criteria: ACMG Guidelines, 2015. Collection method: clinical testing. Allele origin: germline.
Comment: This C3 canonical splice variant is absent from a large population dataset and has not been reported in ClinVar , nor the literature, to our knowledge. This variant destroys a canonical splice acceptor site, and is predicted to cause abnormal gene splicing. We consider c.75-1G>A in C3 to be likely pathogenic.